The following is an entry in ClinVar:

NM_001282680.3(GAPVD1):c.1441+17G>T

Gene: GAPVD1 (GTPase activating protein and VPS9 domains 1; plus strand). Cytogenetic location: 9q33.3.
Variant type: single nucleotide variant.
Coding change: c.1441+17G>T on transcript NM_001282680.3 (MANE Select); 17 bases into the intron after coding-DNA position 1441, G replaced by T.
Molecular consequence: intron variant. On other transcripts: synonymous variant (1).
Genome position (GRCh38, 1-based): chr9:125,307,897, G>T. VCF-style: chr9-125307897-G-T. GRCh37 (hg19) VCF-style: chr9-128070176-G-T.
Other names: c.1458G>T, p.Ser486= (NM_001354293.2); c.1441+17G>T (NM_001354296.2, NM_001354301.2, NM_001354297.2 and 10 more transcripts).
Identifiers: ClinVar variation 3034748 (VCV003034748.2), dbSNP rs199683264, ClinGen allele CA5240165.

ClinVar aggregate classification (germline): Likely benign (0 of 4 stars; one submission).

Conditions:
GAPVD1-related disorder. Also called: GAPVD1-related condition.

Allele frequency attached by ClinVar (database versions not stated): 1000 Genomes Project 30x 0.00016.
gnomAD v4.1: 215 of 1,511,120 alleles (0.014%); highest among the groups gnomAD compares: Middle Eastern, 0.17%; 2 homozygotes.

Submission:

PreventionGenetics, part of Exact Sciences
Classification: Likely benign for GAPVD1-related condition. Last evaluated: 2022-03-07. Review status: no assertion criteria provided. Collection method: clinical testing. Allele origin: germline.
Comment: This variant is classified as likely benign based on ACMG/AMP sequence variant interpretation guidelines (Richards et al. 2015 PMID: 25741868, with internal and published modifications).